The following is an entry in ClinVar:

ClinVar aggregate classification (germline): Pathogenic (1 of 4 stars; one submission).

Conditions:
Familial thoracic aortic aneurysm and aortic dissection (TAAD). Also called: Thoracic aortic aneurysms and dissections. Identifiers: Orphanet 91387, MedGen C4707243, MONDO:0019625.
Marfan syndrome (MFS). Also called: Marfan syndrome type 1; Marfan's syndrome; Marfan syndrome, classic; MARFAN SYNDROME, TYPE I; FBN1-Related Marfan Syndrome. Identifiers: Orphanet 284963, Orphanet 558, MedGen C0024796, MONDO:0007947, OMIM 154700.

Submission:

Labcorp Genetics (formerly Invitae), Labcorp
Classification: Pathogenic for Marfan syndrome; Familial thoracic aortic aneurysm and aortic dissection. Last evaluated: 2020-10-21. Review status: criteria provided, single submitter. Criteria: Invitae Variant Classification Sherloc (09022015). Collection method: clinical testing. Allele origin: germline.
Comment: For these reasons, this variant has been classified as Pathogenic. Loss-of-function variants in FBN1 are known to be pathogenic (PMID: 17657824, 19293843). This variant has been observed in individual(s) with Marfan syndrome (PMID: 7611299). This variant is not present in population databases (ExAC no frequency). This sequence change creates a premature translational stop signal (p.Asn1341Ilefs*72) in the FBN1 gene. It is expected to result in an absent or disrupted protein product.

Literature cited by the submitters: PubMed 17657824; PubMed 19293843; PubMed 7611299.

NM_000138.5(FBN1):c.4020del (p.Asn1341fs)

Gene: FBN1 (fibrillin 1; minus strand). Cytogenetic location: 15q21.1.
Variant type: Deletion.
Coding change: c.4020del on transcript NM_000138.5 (MANE Select); coding-DNA position 4020, one base deleted (C; older notation c.4020delC).
Protein change: p.Asn1341fs; shifts the reading frame from asparagine 1341.
Molecular consequence: frameshift variant.
Genome position (GRCh38, 1-based): chr15:48,474,595, G deleted on the plus strand (C on the coding strand, the reverse complement: FBN1 is on the minus strand); the first of 2 consecutive G bases (chr15:48,474,595-48,474,596); deleting either gives the same sequence. VCF-style (leftmost placement, unchanged base first): chr15-48474594-TG-T. GRCh37 (hg19) VCF-style: chr15-48766791-TG-T.
Other names: short protein forms N1341fs.
Identifiers: ClinVar variation 1073641 (VCV001073641.9), dbSNP rs2141280222, ClinGen allele CA16602234.
Genomic context (GRCh38, chr15:48,474,594, plus strand): 5'-ACTTAATGCCATCTCCAATCCACCCGGGACTGCAGCTACATTTGAAGCTTCCTGCTGTAT[TG>T]GTACATACAGCATGTTTGCCACAGTTGTGTGCTCCAATTTCACATTCATTGATGTCTGGA-3'